The following is an entry in ClinVar:

NM_014319.5(LEMD3):c.527C>T (p.Pro176Leu)

Gene: LEMD3 (LEM domain containing 3; plus strand). Cytogenetic location: 12q14.3.
Variant type: single nucleotide variant.
Coding change: c.527C>T on transcript NM_014319.5 (MANE Select); coding-DNA position 527, C replaced by T.
Protein change: p.Pro176Leu; replaces proline 176 with leucine.
Molecular consequence: missense variant.
Genome position (GRCh38, 1-based): chr12:65,170,123, C>T. VCF-style: chr12-65170123-C-T. GRCh37 (hg19) VCF-style: chr12-65563903-C-T.
Other names: c.527C>T, p.Pro176Leu (NM_001167614.2); short protein forms P176L.
Identifiers: ClinVar variation 4796853 (VCV004796853.1).
Genomic context (GRCh38, chr12:65,170,123, plus strand): 5'-GCGGCGGGAGGAAAGACCGGGCTTCGCTCCAGTACCGCGGGCTCAAAGCGCCGCCGGCGC[C>T]CCTGGCCGCCAGCGAGGTGACTAACAGCAACTCTGCAGAGCGAAGGAAGCCCCACTCGTG-3'
Protein context (NP_055134.2, residues 166-186): QYRGLKAPPA[Pro176Leu]LAASEVTNSN

ClinVar aggregate classification (germline): Uncertain significance (1 of 4 stars; one submission).

Submission:

Labcorp Genetics (formerly Invitae), Labcorp
Classification: Uncertain significance. Last evaluated: 2025-04-02. Review status: criteria provided, single submitter. Criteria: Invitae Variant Classification Sherloc (09022015). Collection method: clinical testing. Allele origin: germline.
Comment: This sequence change replaces proline, which is neutral and non-polar, with leucine, which is neutral and non-polar, at codon 176 of the LEMD3 protein (p.Pro176Leu). This variant is present in population databases (no rsID available, gnomAD 0.01%). This variant has not been reported in the literature in individuals affected with LEMD3-related conditions. Invitae Evidence Modeling of protein sequence and biophysical properties (such as structural, functional, and spatial information, amino acid conservation, physicochemical variation, residue mobility, and thermodynamic stability) indicates that this missense variant is not expected to disrupt LEMD3 protein function with a negative predictive value of 80%. In summary, the available evidence is currently insufficient to determine the role of this variant in disease. Therefore, it has been classified as a Variant of Uncertain Significance.